The following is an entry in ClinVar:

NM_001270.4(CHD1):c.3271A>G (p.Arg1091Gly)

Gene: CHD1 (chromodomain helicase DNA binding protein 1; minus strand). Cytogenetic location: 5q15.
Variant type: single nucleotide variant.
Coding change: c.3271A>G on transcript NM_001270.4 (MANE Select); coding-DNA position 3271, A replaced by G.
Protein change: p.Arg1091Gly; replaces arginine 1091 with glycine.
Molecular consequence: missense variant. On other transcripts: non-coding transcript variant (2).
Genome position (GRCh38, 1-based): chr5:98,876,525, T>C on the plus strand (A>G on the coding strand, the complement: CHD1 is on the minus strand). VCF-style: chr5-98876525-T-C. GRCh37 (hg19) VCF-style: chr5-98212229-T-C.
Other names: c.3271A>G, p.Arg1091Gly (NM_001364113.3, NM_001376194.2); short protein forms R1091G.
Identifiers: ClinVar variation 3731424 (VCV003731424.1).
Genomic context (GRCh38, chr5:98,876,525, plus strand): 5'-TCTTTGGCCTTTTCCCTTCTGAGATGGAATCACTATCAGATCCAGAGTATCTCCTACTTC[T>C]ACTGCGCCTCCCTTCACTTCCATTGAAACTAATCTGGAATTGGAAAATATTTACCCAACC-3'
Protein context (NP_001261.2, residues 1081-1101): SFNGSEGRRS[Arg1091Gly]SRRYSGSDSD

ClinVar aggregate classification (germline): Uncertain significance (1 of 4 stars; one submission).

Conditions:
Pilarowski-Bjornsson syndrome. Also called: DEVELOPMENTAL DELAY AND SPEECH APRAXIA WITH OR WITHOUT SEIZURES. Identifiers: Orphanet 529965, MedGen C4540131, MONDO:0060568, OMIM 617682.

gnomAD v4.1: 3 of 1,613,914 alleles (0.00019%); highest among the groups gnomAD compares: South Asian, 0.0022%; no homozygotes.

Submission:

Neuberg Centre For Genomic Medicine, NCGM
Classification: Uncertain significance for Pilarowski-Bjornsson syndrome. Last evaluated: 2023-06-22. Review status: criteria provided, single submitter. Criteria: ACMG Guidelines, 2015. Collection method: clinical testing. Allele origin: germline. Inheritance: Autosomal dominant inheritance. Affected: yes.
Comment: The observed missense c.3271A>G(p.Arg1091Gly) variant in CHD1 gene has not been reported previously as a pathogenic variant nor as a benign variant, to our knowledge. This variant is absent in gnomAD Exomes. The amino acid Arg at position 1091 is changed to a Gly changing protein sequence and it might alter its composition and physico-chemical properties. The amino acid change p.Arg1091Gly in CHD1 is predicted as conserved by GERP++ and PhyloP across 100 vertebrates. Computational evidence (Polyphen - Benign, SIFT - Tolerated, and MutationTaster - Disease causing) predicts conflicting evidence on protein structure and function for this variant. For these reasons, this variant has been classified as Uncertain Significance.